The following is an entry in ClinVar:

ClinVar aggregate classification (germline): Uncertain significance. Review status: criteria provided, multiple submitters, no conflicts (2 of 4 stars). 2 submissions from 2 submitters: Uncertain significance (2). Last evaluated 2025-06-17.

Allele frequency attached by ClinVar (database versions not stated): ExAC 0.00002; gnomAD exomes 0.00005; TOPMed 0.00005; gnomAD 0.00008.
gnomAD v4.1: 88 of 1,613,940 alleles (0.0055%); highest among the groups gnomAD compares: Middle Eastern, 0.016%; no homozygotes.

Submissions (2):

Ambry Genetics
Classification: Uncertain significance. Last evaluated: 2025-06-17. Review status: criteria provided, single submitter. Criteria: Ambry Variant Classification Scheme 2023. Collection method: clinical testing. Allele origin: germline.

Labcorp Genetics (formerly Invitae), Labcorp
Classification: Uncertain significance. Last evaluated: 2022-03-06. Review status: criteria provided, single submitter. Criteria: Invitae Variant Classification Sherloc (09022015). Collection method: clinical testing. Allele origin: germline.
Comment: This sequence change replaces glutamine, which is neutral and polar, with histidine, which is basic and polar, at codon 191 of the FCHO1 protein (p.Gln191His). This variant is present in population databases (rs753554465, gnomAD 0.01%). This variant has not been reported in the literature in individuals affected with FCHO1-related conditions. Algorithms developed to predict the effect of missense changes on protein structure and function (SIFT, PolyPhen-2, Align-GVGD) all suggest that this variant is likely to be tolerated. In summary, the available evidence is currently insufficient to determine the role of this variant in disease. Therefore, it has been classified as a Variant of Uncertain Significance.

NM_015122.3(FCHO1):c.573G>C (p.Gln191His)

Gene: FCHO1 (FCH and mu domain containing endocytic adaptor 1; plus strand). Cytogenetic location: 19p13.11.
Variant type: single nucleotide variant.
Coding change: c.573G>C on transcript NM_015122.3 (MANE Select); coding-DNA position 573, G replaced by C.
Protein change: p.Gln191His; replaces glutamine 191 with histidine.
Molecular consequence: missense variant. On other transcripts: non-coding transcript variant (36).
Genome position (GRCh38, 1-based): chr19:17,770,875, G>C. VCF-style: chr19-17770875-G-C. GRCh37 (hg19) VCF-style: chr19-17881684-G-C.
Other names: c.573G>C, p.Gln191His (NM_001161357.2, NM_001161358.2, NM_001384370.1 and 26 more transcripts); c.423G>C, p.Gln141His (NM_001161359.2, NM_001384384.1, NM_001384385.1 and 3 more transcripts); c.534G>C, p.Gln178His (NM_001384405.1, NM_001384388.1, NM_001384389.1); c.498G>C, p.Gln166His (NM_001384390.1); c.573G>C (NM_001161357.1); short protein forms Q191H, Q141H, Q178H, Q166H.
Identifiers: ClinVar variation 1912068 (VCV001912068.3), dbSNP rs753554465, ClinGen allele CA9300148.